The following is an entry in ClinVar:

ClinVar aggregate classification (germline): Pathogenic (1 of 4 stars; one submission).

Submission:

Labcorp Genetics (formerly Invitae), Labcorp
Classification: Pathogenic. Last evaluated: 2022-03-03. Review status: criteria provided, single submitter. Criteria: Invitae Variant Classification Sherloc (09022015). Collection method: clinical testing. Allele origin: germline.
Comment: This variant is not present in population databases (gnomAD no frequency). This sequence change creates a premature translational stop signal (p.Gln284*) in the RUNX2 gene. It is expected to result in an absent or disrupted protein product. Loss-of-function variants in RUNX2 are known to be pathogenic (PMID: 10521292, 11857736). This variant has not been reported in the literature in individuals affected with RUNX2-related conditions. For these reasons, this variant has been classified as Pathogenic. Algorithms developed to predict the effect of sequence changes on RNA splicing suggest that this variant may disrupt the consensus splice site.

Literature cited by the submitters: PubMed 10521292; PubMed 11857736.

NM_001024630.4(RUNX2):c.850C>T (p.Gln284Ter)

Gene: RUNX2 (RUNX family transcription factor 2; plus strand). Cytogenetic location: 6p21.1.
Variant type: single nucleotide variant.
Coding change: c.850C>T on transcript NM_001024630.4 (MANE Select); coding-DNA position 850, C replaced by T.
Protein change: p.Gln284Ter; replaces glutamine 284 with a stop codon.
Molecular consequence: nonsense.
Genome position (GRCh38, 1-based): chr6:45,492,105, C>T. VCF-style: chr6-45492105-C-T. GRCh37 (hg19) VCF-style: chr6-45459842-C-T.
Other names: c.850C>T, p.Gln284Ter (NM_001015051.4); c.808C>T, p.Gln270Ter (NM_001278478.2, NM_001369405.1, NM_004348.3); short protein forms Q284*, Q270*.
Identifiers: ClinVar variation 2102011 (VCV002102011.4), dbSNP rs2548635907, ClinGen allele CA363958596.